The following is an entry in ClinVar:

NM_015338.6(ASXL1):c.604C>T (p.Pro202Ser)

Gene: ASXL1 (ASXL transcriptional regulator 1; plus strand). Cytogenetic location: 20q11.21.
Variant type: single nucleotide variant.
Coding change: c.604C>T on transcript NM_015338.6 (MANE Select); coding-DNA position 604, C replaced by T.
Protein change: p.Pro202Ser; replaces proline 202 with serine.
Molecular consequence: missense variant. On other transcripts: intron variant (1).
Genome position (GRCh38, 1-based): chr20:32,429,939, C>T. VCF-style: chr20-32429939-C-T. GRCh37 (hg19) VCF-style: chr20-31017742-C-T.
Other names: c.535+508C>T (NM_001363734.1); short protein forms P202S.
Identifiers: ClinVar variation 4158886 (VCV004158886.1).

ClinVar aggregate classification (germline): Uncertain significance (1 of 4 stars; one submission).

Conditions:
Inborn genetic diseases. Identifiers: MedGen C0950123, MeSH D030342.

Submission:

Ambry Genetics
Classification: Uncertain significance for Inborn genetic diseases. Last evaluated: 2025-08-14. Review status: criteria provided, single submitter. Criteria: Ambry Variant Classification Scheme 2023. Collection method: clinical testing. Allele origin: germline.
Comment: The p.P202S variant (also known as c.604C>T), located in coding exon 8 of the ASXL1 gene, results from a C to T substitution at nucleotide position 604. The proline at codon 202 is replaced by serine, an amino acid with similar properties. This amino acid position is conserved. In addition, this alteration is predicted to be tolerated by in silico analysis. Based on the available evidence, the clinical significance of this variant remains unclear.